The following is an entry in ClinVar:

NM_002381.5(MATN3):c.876C>G (p.Ser292Arg)

Genes: MATN3 (matrilin 3; minus strand), WDR35-DT (WDR35 divergent transcript; plus strand). Cytogenetic location: 2p24.1.
Variant type: single nucleotide variant.
Coding change: c.876C>G on transcript NM_002381.5 (MANE Select); coding-DNA position 876, C replaced by G.
Protein change: p.Ser292Arg; replaces serine 292 with arginine.
Molecular consequence: missense variant.
Genome position (GRCh38, 1-based): chr2:20,003,201, G>C on the plus strand (C>G on the coding strand, the complement: MATN3 is on the minus strand). VCF-style: chr2-20003201-G-C. GRCh37 (hg19) VCF-style: chr2-20202962-G-C.
Other names: short protein forms S292R.
Identifiers: ClinVar variation 2963736 (VCV002963736.3), dbSNP rs994488916, ClinGen allele CA43401432.

ClinVar aggregate classification (germline): Uncertain significance (1 of 4 stars; one submission).

Allele frequency attached by ClinVar (database versions not stated): gnomAD 0.00001; TOPMed 0.00001.
gnomAD v4.1: 1 of 1,613,852 alleles (0.000062%); highest among the groups gnomAD compares: African/African-American, 0.0013%; no homozygotes.

Submission:

Labcorp Genetics (formerly Invitae), Labcorp
Classification: Uncertain significance. Last evaluated: 2022-12-15. Review status: criteria provided, single submitter. Criteria: Invitae Variant Classification Sherloc (09022015). Collection method: clinical testing. Allele origin: germline.
Comment: This variant is present in population databases (no rsID available, gnomAD 0.007%). This variant has not been reported in the literature in individuals affected with MATN3-related conditions. This sequence change replaces serine, which is neutral and polar, with arginine, which is basic and polar, at codon 292 of the MATN3 protein (p.Ser292Arg). In summary, the available evidence is currently insufficient to determine the role of this variant in disease. Therefore, it has been classified as a Variant of Uncertain Significance. Advanced modeling of protein sequence and biophysical properties (such as structural, functional, and spatial information, amino acid conservation, physicochemical variation, residue mobility, and thermodynamic stability) performed at Invitae indicates that this missense variant is not expected to disrupt MATN3 protein function.